The following is an entry in ClinVar:

ClinVar aggregate classification (germline): Pathogenic (1 of 4 stars; one submission).

Conditions:
Deficiency of alpha-mannosidase (MANSA). Also called: LYSOSOMAL ALPHA-D-MANNOSIDASE DEFICIENCY; Alpha-Mannosidosis; Mannosidosis, alpha-, types I and II. Identifiers: Orphanet 61, MedGen C0024748, MONDO:0009561, OMIM 248500.

Submission:

Labcorp Genetics (formerly Invitae), Labcorp
Classification: Pathogenic for Deficiency of alpha-mannosidase. Last evaluated: 2022-11-26. Review status: criteria provided, single submitter. Criteria: Invitae Variant Classification Sherloc (09022015). Collection method: clinical testing. Allele origin: unknown.
Comment: For these reasons, this variant has been classified as Pathogenic. This variant disrupts a region of the MAN2B1 protein in which other variant(s) (deletion of exons 7-13) have been determined to be pathogenic (Invitae). This suggests that this is a clinically significant region of the protein, and that variants that disrupt it are likely to be disease-causing. This variant has not been reported in the literature in individuals affected with MAN2B1-related conditions. This variant is a gross deletion of the genomic region encompassing exon(s) 7-16 of the MAN2B1 gene. This variant would be expected to be in-frame, preserving the integrity of the reading frame.

NC_000019.9:g.(?_12762947)_(12772210_?)del

Gene: MAN2B1 (mannosidase alpha class 2B member 1; minus strand). Cytogenetic location: 19p13.2.
Variant type: Deletion.
Identifiers: ClinVar variation 3248398 (VCV003248398.1).